The following is an entry in ClinVar:

ClinVar aggregate classification (germline): Uncertain significance. Review status: criteria provided, multiple submitters, no conflicts (2 of 4 stars). 2 submissions from 2 submitters: Uncertain significance (2). Last evaluated 2025-04-03.

Conditions:
Inborn genetic diseases. Identifiers: MedGen C0950123, MeSH D030342.

Allele frequency attached by ClinVar (database versions not stated): gnomAD exomes 0.00001 and 0.00002; ExAC 0.00003; gnomAD 0.00004; TOPMed 0.00005; ESP Exome Variant Server 0.00008.
gnomAD v4.1: 27 of 1,614,012 alleles (0.0017%); highest among the groups gnomAD compares: African/African-American, 0.0067%; no homozygotes.

Submissions (2):

Ambry Genetics
Classification: Uncertain significance for Inborn genetic diseases. Last evaluated: 2025-04-03. Review status: criteria provided, single submitter. Criteria: Ambry Variant Classification Scheme 2023. Collection method: clinical testing. Allele origin: germline.

Labcorp Genetics (formerly Invitae), Labcorp
Classification: Uncertain significance. Last evaluated: 2025-01-23. Review status: criteria provided, single submitter. Criteria: Invitae Variant Classification Sherloc (09022015). Collection method: clinical testing. Allele origin: germline.
Comment: This sequence change replaces proline, which is neutral and non-polar, with leucine, which is neutral and non-polar, at codon 125 of the NLRP1 protein (p.Pro125Leu). This variant is present in population databases (rs375872650, gnomAD 0.008%). This variant has not been reported in the literature in individuals affected with NLRP1-related conditions. ClinVar contains an entry for this variant (Variation ID: 1021305). An algorithm developed to predict the effect of missense changes on protein structure and function (PolyPhen-2) suggests that this variant is likely to be tolerated. In summary, the available evidence is currently insufficient to determine the role of this variant in disease. Therefore, it has been classified as a Variant of Uncertain Significance.

NM_033004.4(NLRP1):c.374C>T (p.Pro125Leu)

Gene: NLRP1 (NLR family pyrin domain containing 1; minus strand). Cytogenetic location: 17p13.2.
Variant type: single nucleotide variant.
Coding change: c.374C>T on transcript NM_033004.4 (MANE Select); coding-DNA position 374, C replaced by T.
Protein change: p.Pro125Leu; replaces proline 125 with leucine.
Molecular consequence: missense variant.
Genome position (GRCh38, 1-based): chr17:5,582,744, G>A on the plus strand (C>T on the coding strand, the complement: NLRP1 is on the minus strand). VCF-style: chr17-5582744-G-A. GRCh37 (hg19) VCF-style: chr17-5486064-G-A.
Other names: c.374C>T, p.Pro125Leu (NM_001033053.3, NM_014922.5, NM_033006.4 and 1 more transcripts); c.374C>T (NM_033004.3); short protein forms P125L.
Identifiers: ClinVar variation 1021305 (VCV001021305.9), dbSNP rs375872650, ClinGen allele CA8327594.